The following is an entry in ClinVar:

ClinVar aggregate classification (germline): Uncertain significance (1 of 4 stars; one submission).

Allele frequency attached by ClinVar (database versions not stated): gnomAD exomes below 0.00001.

Submission:

Labcorp Genetics (formerly Invitae), Labcorp
Classification: Uncertain significance. Last evaluated: 2022-12-30. Review status: criteria provided, single submitter. Criteria: Invitae Variant Classification Sherloc (09022015). Collection method: clinical testing. Allele origin: germline.
Comment: This sequence change falls in intron 6 of the SNRPB gene. It does not directly change the encoded amino acid sequence of the SNRPB protein. It affects a nucleotide within the consensus splice site. This variant is not present in population databases (gnomAD no frequency). This variant has not been reported in the literature in individuals affected with SNRPB-related conditions. Variants that disrupt the consensus splice site are a relatively common cause of aberrant splicing (PMID: 17576681, 9536098). Algorithms developed to predict the effect of sequence changes on RNA splicing suggest that this variant is not likely to affect RNA splicing. In summary, the available evidence is currently insufficient to determine the role of this variant in disease. Therefore, it has been classified as a Variant of Uncertain Significance.

Literature cited by the submitters: PubMed 17576681; PubMed 9536098.

NM_003091.4(SNRPB):c.685+4A>G

Gene: SNRPB (small nuclear ribonucleoprotein polypeptides B and B1; minus strand). Cytogenetic location: 20p13.
Variant type: single nucleotide variant.
Coding change: c.685+4A>G on transcript NM_003091.4 (MANE Select); 4 bases into the intron after coding-DNA position 685, A replaced by G.
Molecular consequence: intron variant.
Genome position (GRCh38, 1-based): chr20:2,462,632, T>C on the plus strand (A>G on the coding strand, the complement: SNRPB is on the minus strand). VCF-style: chr20-2462632-T-C. GRCh37 (hg19) VCF-style: chr20-2443278-T-C.
Other names: c.685+4A>G (NM_198216.2).
Identifiers: ClinVar variation 2868368 (VCV002868368.3), dbSNP rs2514419243, ClinGen allele CA2651629249.